The following is an entry in ClinVar:

NM_032776.3(JMJD1C):c.3215G>A (p.Arg1072His)

Gene: JMJD1C (jumonji domain containing 1C; minus strand). Cytogenetic location: 10q21.3.
Variant type: single nucleotide variant.
Coding change: c.3215G>A on transcript NM_032776.3 (MANE Select); coding-DNA position 3215, G replaced by A.
Protein change: p.Arg1072His; replaces arginine 1072 with histidine.
Molecular consequence: missense variant. On other transcripts: non-coding transcript variant (1).
Genome position (GRCh38, 1-based): chr10:63,208,454, C>T on the plus strand (G>A on the coding strand, the complement: JMJD1C is on the minus strand). VCF-style: chr10-63208454-C-T. GRCh37 (hg19) VCF-style: chr10-64968214-C-T.
Other names: c.2669G>A, p.Arg890His (NM_001282948.2, NM_001318154.2); c.2351G>A, p.Arg784His (NM_001318153.2); c.3101G>A, p.Arg1034His (NM_001322252.2); c.2558G>A, p.Arg853His (NM_001322254.2, NM_001322258.2); short protein forms R1072H, R853H, R1034H, R784H, R890H.
Identifiers: ClinVar variation 583169 (VCV000583169.7), dbSNP rs371435641, ClinGen allele CA5518470.

ClinVar aggregate classification (germline): Uncertain significance (1 of 4 stars; one submission).

Conditions:
Early Myoclonic Encephalopathy. Identifiers: MedGen C0270855.

Allele frequency attached by ClinVar (database versions not stated): gnomAD exomes 0.00001; gnomAD 0.00003 and 0.00002; TOPMed 0.00004; ESP Exome Variant Server 0.00017; ExAC 0.00002.
gnomAD v4.1: 13 of 1,613,708 alleles (0.00081%); highest among the groups gnomAD compares: Middle Eastern, 0.016%; no homozygotes.

Submission:

Labcorp Genetics (formerly Invitae), Labcorp
Classification: Uncertain significance for Early Myoclonic Encephalopathy. Last evaluated: 2023-12-07. Review status: criteria provided, single submitter. Criteria: Invitae Variant Classification Sherloc (09022015). Collection method: clinical testing. Allele origin: germline.
Comment: This sequence change replaces arginine, which is basic and polar, with histidine, which is basic and polar, at codon 1072 of the JMJD1C protein (p.Arg1072His). This variant is present in population databases (rs371435641, gnomAD 0.02%). This variant has not been reported in the literature in individuals affected with JMJD1C-related conditions. ClinVar contains an entry for this variant (Variation ID: 583169). Advanced modeling of protein sequence and biophysical properties (such as structural, functional, and spatial information, amino acid conservation, physicochemical variation, residue mobility, and thermodynamic stability) performed at Invitae indicates that this missense variant is not expected to disrupt JMJD1C protein function with a negative predictive value of 80%. In summary, the available evidence is currently insufficient to determine the role of this variant in disease. Therefore, it has been classified as a Variant of Uncertain Significance.